The following is an entry in ClinVar:

NM_001170629.2(CHD8):c.5665C>T (p.Arg1889Cys)

Gene: CHD8 (chromodomain helicase DNA binding protein 8; minus strand). Cytogenetic location: 14q11.2.
Variant type: single nucleotide variant.
Coding change: c.5665C>T on transcript NM_001170629.2 (MANE Select); coding-DNA position 5665, C replaced by T.
Protein change: p.Arg1889Cys; replaces arginine 1889 with cysteine.
Molecular consequence: missense variant.
Genome position (GRCh38, 1-based): chr14:21,394,130, G>A on the plus strand (C>T on the coding strand, the complement: CHD8 is on the minus strand). VCF-style: chr14-21394130-G-A. GRCh37 (hg19) VCF-style: chr14-21862289-G-A.
Other names: c.4828C>T, p.Arg1610Cys (NM_020920.4); short protein forms R1610C, R1889C.
Identifiers: ClinVar variation 1193400 (VCV001193400.41), dbSNP rs201802014, ClinGen allele CA7090911.

ClinVar aggregate classification (germline): Conflicting classifications of pathogenicity. Review status: criteria provided, conflicting classifications (1 of 4 stars). 4 submissions from 4 submitters: Uncertain significance (3); Likely benign (1). Last evaluated 2025-11-17.

Conditions:
Complex neurodevelopmental disorder. Identifiers: Orphanet 528084, MedGen C5568766, MONDO:0100038.

Allele frequency attached by ClinVar (database versions not stated): gnomAD exomes 0.00015 and 0.00028; TOPMed 0.00015; 1000 Genomes Project 30x 0.00016; ExAC 0.00016; gnomAD 0.00016; 1000 Genomes Project 0.00020; ESP Exome Variant Server 0.00033.
gnomAD v4.1: 424 of 1,612,236 alleles (0.026%); highest among the groups gnomAD compares: Non-Finnish European, 0.035%; no homozygotes.

Submissions (4):

Labcorp Genetics (formerly Invitae), Labcorp
Classification: Uncertain significance. Last evaluated: 2025-11-17. Review status: criteria provided, single submitter. Criteria: Invitae Variant Classification Sherloc (09022015). Collection method: clinical testing. Allele origin: germline.
Comment: This sequence change replaces arginine, which is basic and polar, with cysteine, which is neutral and slightly polar, at codon 1889 of the CHD8 protein (p.Arg1889Cys). This variant is present in population databases (rs201802014, gnomAD 0.03%), and has an allele count higher than expected for a pathogenic variant. This missense change has been observed in individual(s) with clinical features of CHD8-related conditions (PMID: 33004838, 38438524). ClinVar contains an entry for this variant (Variation ID: 1193400). Invitae Evidence Modeling of protein sequence and biophysical properties (such as structural, functional, and spatial information, amino acid conservation, physicochemical variation, residue mobility, and thermodynamic stability) has been performed for this missense variant. However, the output from this modeling did not meet the statistical confidence thresholds required to predict the impact of this variant on CHD8 protein function. Experimental studies have shown that this missense change does not substantially affect CHD8 function (PMID: 38438524). In summary, the available evidence is currently insufficient to determine the role of this variant in disease. Therefore, it has been classified as a Variant of Uncertain Significance.

Department of Pathology and Laboratory Medicine, Sinai Health System
Classification: Uncertain significance for complex neurodevelopmental disorder. Last evaluated: 2022-05-11. Review status: criteria provided, single submitter. Criteria: ACMG Guidelines, 2015. Collection method: research. Allele origin: germline.

CeGaT Center for Human Genetics Tuebingen
Classification: Uncertain significance. Last evaluated: 2022-03-01. Review status: criteria provided, single submitter. Criteria: CeGaT Center For Human Genetics Tuebingen Variant Classification Criteria Version 2. Collection method: clinical testing. Allele origin: germline. Affected: yes. Observed: 1 variant allele.
Comment: CHD8: PP2, PP3

GeneDx
Classification: Likely benign. Last evaluated: 2021-02-25. Review status: criteria provided, single submitter. Criteria: GeneDx Variant Classification Process June 2021. Collection method: clinical testing. Allele origin: germline. Affected: yes.

Literature cited by the submitters: PubMed 33004838 (cited by Labcorp Genetics (formerly Invitae), Labcorp); PubMed 38438524 (cited by Labcorp Genetics (formerly Invitae), Labcorp).